The following is an entry in ClinVar:

NM_001690.4(ATP6V1A):c.1744T>A (p.Ser582Thr)

Gene: ATP6V1A (ATPase H+ transporting V1 subunit A; plus strand). Cytogenetic location: 3q13.31.
Variant type: single nucleotide variant.
Coding change: c.1744T>A on transcript NM_001690.4 (MANE Select); coding-DNA position 1744, T replaced by A.
Protein change: p.Ser582Thr; replaces serine 582 with threonine.
Molecular consequence: missense variant.
Genome position (GRCh38, 1-based): chr3:113,805,508, T>A. VCF-style: chr3-113805508-T-A. GRCh37 (hg19) VCF-style: chr3-113524355-T-A.
Other names: c.1744T>A (NM_001690.3); short protein forms S582T.
Identifiers: ClinVar variation 1906922 (VCV001906922.6), dbSNP rs779728444, ClinGen allele CA2548146.
Genomic context (GRCh38, chr3:113,805,508, plus strand): 5'-GACAATAAAATCACATGGTCCATTATTCGTGAGCACATGGGAGACATCCTCTATAAACTT[T>A]CCTCCATGAAATTCAAGGTATATTTTGTTTCTGCTGTAACTTTTTTTATTTGGAAATGCT-3'
Protein context (NP_001681.2, residues 572-592): EHMGDILYKL[Ser582Thr]SMKFKDPLKD

ClinVar aggregate classification (germline): Uncertain significance. Review status: criteria provided, multiple submitters, no conflicts (2 of 4 stars). 2 submissions from 2 submitters: Uncertain significance (2). Last evaluated 2025-01-27.

Conditions:
Inborn genetic diseases. Identifiers: MedGen C0950123, MeSH D030342.

Allele frequency attached by ClinVar (database versions not stated): TOPMed below 0.00001; ExAC 0.00001.
gnomAD v4.1: 5 of 1,609,946 alleles (0.00031%); highest among the groups gnomAD compares: Admixed American, 0.0051%; no homozygotes.

Submissions (2):

Labcorp Genetics (formerly Invitae), Labcorp
Classification: Uncertain significance. Last evaluated: 2025-01-27. Review status: criteria provided, single submitter. Criteria: Invitae Variant Classification Sherloc (09022015). Collection method: clinical testing. Allele origin: germline.
Comment: This sequence change replaces serine, which is neutral and polar, with threonine, which is neutral and polar, at codon 582 of the ATP6V1A protein (p.Ser582Thr). This variant is present in population databases (rs779728444, gnomAD 0.009%). This variant has not been reported in the literature in individuals affected with ATP6V1A-related conditions. ClinVar contains an entry for this variant (Variation ID: 1906922). Invitae Evidence Modeling of protein sequence and biophysical properties (such as structural, functional, and spatial information, amino acid conservation, physicochemical variation, residue mobility, and thermodynamic stability) indicates that this missense variant is not expected to disrupt ATP6V1A protein function with a negative predictive value of 80%. In summary, the available evidence is currently insufficient to determine the role of this variant in disease. Therefore, it has been classified as a Variant of Uncertain Significance.

Ambry Genetics
Classification: Uncertain significance for Inborn genetic diseases. Last evaluated: 2024-03-19. Review status: criteria provided, single submitter. Criteria: Ambry Variant Classification Scheme 2023. Collection method: clinical testing. Allele origin: germline.